The following is an entry in ClinVar:

ClinVar aggregate classification (germline): Likely pathogenic (1 of 4 stars; one submission).

Conditions:
Multiple endocrine neoplasia, type 1 (MEN1). Also called: MEA I; MEN I; WERMER SYNDROME; Endocrine adenomatosis multiple; MEN 1. Identifiers: Orphanet 652, MedGen C0025267, MeSH D018761, MONDO:0007540, OMIM 131100.

Submission:

Myriad Genetics, Inc.
Classification: Likely pathogenic for Multiple endocrine neoplasia, type 1. Last evaluated: 2026-03-17. Review status: criteria provided, single submitter. Criteria: Myriad Autosomal Dominant, Autosomal Recessive and X-Linked Classification Criteria (2023). Collection method: clinical testing. Allele origin: unknown.
Comment: This variant is considered likely pathogenic. This variant occurs within a consensus splice junction and is predicted to result in abnormal mRNA splicing of either an out-of-frame exon or an in-frame exon necessary for protein stability and/or normal function.

NM_001370259.2(MEN1):c.1185+1G>C

Gene: MEN1 (menin 1; minus strand). Cytogenetic location: 11q13.1.
Variant type: single nucleotide variant.
Coding change: c.1185+1G>C on transcript NM_001370259.2 (MANE Select); the canonical splice donor site of the intron after coding-DNA position 1185, G replaced by C.
Molecular consequence: splice donor variant.
Genome position (GRCh38, 1-based): chr11:64,805,634, C>G on the plus strand (G>C on the coding strand, the complement: MEN1 is on the minus strand). VCF-style: chr11-64805634-C-G. GRCh37 (hg19) VCF-style: chr11-64573106-C-G.
Other names: c.1200+1G>C (NM_130804.3, NM_130803.3, NM_000244.4 and 4 more transcripts); c.1080+1G>C (NM_001407148.1, NM_001407149.1, NM_001370263.2 and 1 more transcripts); c.1185+1G>C (NM_130799.3, NM_001370260.2, NM_001407152.1 and 3 more transcripts); c.1311+1G>C (NM_001407144.1, NM_001370251.2, NM_001407142.1 and 1 more transcripts); c.1206+1G>C (NM_001407151.1); c.1326+1G>C (NM_001407150.1).
Identifiers: ClinVar variation 4856762 (VCV004856762.1).